The following is an entry in ClinVar:

ClinVar aggregate classification (germline): Uncertain significance (1 of 4 stars; one submission).

Conditions:
Cardiovascular phenotype. Identifiers: MedGen CN230736.

Allele frequency attached by ClinVar (database versions not stated): TOPMed below 0.00001.

Submission:

Ambry Genetics
Classification: Uncertain significance for Cardiovascular phenotype. Last evaluated: 2023-05-21. Review status: criteria provided, single submitter. Criteria: Ambry Variant Classification Scheme 2023. Collection method: clinical testing. Allele origin: germline.
Comment: The p.K1163E variant (also known as c.3487A>G), located in coding exon 22 of the SOS2 gene, results from an A to G substitution at nucleotide position 3487. The lysine at codon 1163 is replaced by glutamic acid, an amino acid with similar properties. This amino acid position is conserved. In addition, this alteration is predicted to be deleterious by in silico analysis. Since supporting evidence is limited at this time, the clinical significance of this alteration remains unclear.

NM_006939.4(SOS2):c.3487A>G (p.Lys1163Glu)

Gene: SOS2 (SOS Ras/Rho guanine nucleotide exchange factor 2; minus strand). Cytogenetic location: 14q21.3.
Variant type: single nucleotide variant.
Coding change: c.3487A>G on transcript NM_006939.4 (MANE Select); coding-DNA position 3487, A replaced by G.
Protein change: p.Lys1163Glu; replaces lysine 1163 with glutamic acid.
Molecular consequence: missense variant.
Genome position (GRCh38, 1-based): chr14:50,120,277, T>C on the plus strand (A>G on the coding strand, the complement: SOS2 is on the minus strand). VCF-style: chr14-50120277-T-C. GRCh37 (hg19) VCF-style: chr14-50586995-T-C.
Other names: c.3388A>G, p.Lys1130Glu (NM_001411020.1); short protein forms K1163E, K1130E.
Identifiers: ClinVar variation 2563219 (VCV002563219.2), dbSNP rs962182717, ClinGen allele CA260705844.